The following is an entry in ClinVar:

ClinVar aggregate classification (germline): Uncertain significance (1 of 4 stars; one submission).

Submission:

GeneDx
Classification: Uncertain significance. Last evaluated: 2024-03-06. Review status: criteria provided, single submitter. Criteria: GeneDx Variant Classification Process June 2021. Collection method: clinical testing. Allele origin: germline. Affected: yes.
Comment: Not observed at significant frequency in large population cohorts (gnomAD); In silico analysis supports that this missense variant has a deleterious effect on protein structure/function; Has not been previously published as pathogenic or benign to our knowledge

NM_182931.3(KMT2E):c.1060C>T (p.Leu354Phe)

Gene: KMT2E (lysine methyltransferase 2E (inactive); plus strand). Cytogenetic location: 7q22.3.
Variant type: single nucleotide variant.
Coding change: c.1060C>T on transcript NM_182931.3 (MANE Select); coding-DNA position 1060, C replaced by T.
Protein change: p.Leu354Phe; replaces leucine 354 with phenylalanine.
Molecular consequence: missense variant.
Genome position (GRCh38, 1-based): chr7:105,077,363, C>T. VCF-style: chr7-105077363-C-T. GRCh37 (hg19) VCF-style: chr7-104717810-C-T.
Other names: c.1060C>T, p.Leu354Phe (NM_001410908.1, NM_018682.4); short protein forms L354F.
Identifiers: ClinVar variation 3373439 (VCV003373439.1).